The following is an entry in ClinVar:

NM_024077.5(SECISBP2):c.1218C>T (p.Ala406=)

Gene: SECISBP2 (SECIS binding protein 2; plus strand). Cytogenetic location: 9q22.2.
Variant type: single nucleotide variant.
Coding change: c.1218C>T on transcript NM_024077.5 (MANE Select); coding-DNA position 1218, C replaced by T.
Protein change: p.Ala406=; no amino-acid change (alanine 406 retained).
Molecular consequence: synonymous variant. On other transcripts: intron variant (1).
Genome position (GRCh38, 1-based): chr9:89,339,869, C>T. VCF-style: chr9-89339869-C-T. GRCh37 (hg19) VCF-style: chr9-91954784-C-T.
Other names: c.1215C>T, p.Ala405= (NM_001282688.2); c.999C>T, p.Ala333= (NM_001282689.2); c.1014C>T, p.Ala338= (NM_001282690.1); c.1101C>T, p.Ala367= (NM_001354696.2); c.1104C>T, p.Ala368= (NM_001354697.2); c.333C>T, p.Ala111= (NM_001354702.2); c.1095+1289C>T (NM_001354698.2); c.1218C>T (NM_024077.3).
Identifiers: ClinVar variation 3029827 (VCV003029827.3), dbSNP rs759932472, ClinGen allele CA5117356.

ClinVar aggregate classification (germline): Likely benign. Review status: criteria provided, single submitter (1 of 4 stars). 2 submissions from 2 submitters: Likely benign (1). 1 of the submissions does not count toward it. Last evaluated 2024-11-10.

Conditions:
Inborn genetic diseases. Identifiers: MedGen C0950123, MeSH D030342.
SECISBP2-related disorder. Also called: SECISBP2-related condition.

Allele frequency attached by ClinVar (database versions not stated): ExAC 0.00002.

Submissions (2):

Ambry Genetics
Classification: Likely benign for Inborn genetic diseases. Last evaluated: 2024-11-10. Review status: criteria provided, single submitter. Criteria: Ambry Variant Classification Scheme 2023. Collection method: clinical testing. Allele origin: germline.

PreventionGenetics, part of Exact Sciences
Classification: Likely benign for SECISBP2-related condition. Last evaluated: 2021-08-02. Review status: no assertion criteria provided. Collection method: clinical testing. Allele origin: germline. Not counted in ClinVar's aggregate classification.
Comment: This variant is classified as likely benign based on ACMG/AMP sequence variant interpretation guidelines (Richards et al. 2015 PMID: 25741868, with internal and published modifications).